The following is an entry in ClinVar:

NM_002582.4(PARN):c.47A>G (p.Tyr16Cys)

Gene: PARN (poly(A)-specific ribonuclease; minus strand). Cytogenetic location: 16p13.12.
Variant type: single nucleotide variant.
Coding change: c.47A>G on transcript NM_002582.4 (MANE Select); coding-DNA position 47, A replaced by G.
Protein change: p.Tyr16Cys; replaces tyrosine 16 with cysteine.
Molecular consequence: missense variant. On other transcripts: 5 prime UTR variant (1).
Genome position (GRCh38, 1-based): chr16:14,629,647, T>C on the plus strand (A>G on the coding strand, the complement: PARN is on the minus strand). VCF-style: chr16-14629647-T-C. GRCh37 (hg19) VCF-style: chr16-14723504-T-C.
Other names: c.-137A>G (NM_001134477.3); c.47A>G, p.Tyr16Cys (NM_001242992.2); short protein forms Y16C.
Identifiers: ClinVar variation 2928937 (VCV002928937.3), dbSNP rs975983337, ClinGen allele CA394818454.

ClinVar aggregate classification (germline): Uncertain significance (1 of 4 stars; one submission).

Conditions:
Dyskeratosis congenita, autosomal recessive 6 (DKCB6). Identifiers: MedGen C4225356, MONDO:0014600, OMIM 616353.
Pulmonary fibrosis and/or bone marrow failure, Telomere-related, 4. Also called: PULMONARY FIBROSIS AND/OR BONE MARROW FAILURE SYNDROME, TELOMERE-RELATED, 4. Identifiers: Orphanet 2032, MedGen C4225347, MONDO:0014612, OMIM 616371.

gnomAD v4.1: 1 of 1,613,344 alleles (0.000062%); highest among the groups gnomAD compares: African/African-American, 0.0013%; no homozygotes.

Submission:

Labcorp Genetics (formerly Invitae), Labcorp
Classification: Uncertain significance for Dyskeratosis congenita, autosomal recessive 6; Pulmonary fibrosis and/or bone marrow failure, Telomere-related, 4. Last evaluated: 2023-09-27. Review status: criteria provided, single submitter. Criteria: Invitae Variant Classification Sherloc (09022015). Collection method: clinical testing. Allele origin: germline.
Comment: This sequence change replaces tyrosine, which is neutral and polar, with cysteine, which is neutral and slightly polar, at codon 16 of the PARN protein (p.Tyr16Cys). This variant is not present in population databases (gnomAD no frequency). This variant has not been reported in the literature in individuals affected with PARN-related conditions. Advanced modeling of protein sequence and biophysical properties (such as structural, functional, and spatial information, amino acid conservation, physicochemical variation, residue mobility, and thermodynamic stability) performed at Invitae indicates that this missense variant is not expected to disrupt PARN protein function. In summary, the available evidence is currently insufficient to determine the role of this variant in disease. Therefore, it has been classified as a Variant of Uncertain Significance.